The following is an entry in ClinVar:

NM_145207.3(AFG2A):c.1091C>T (p.Ala364Val)

Gene: AFG2A (AAA ATPase AFG2A; plus strand). Cytogenetic location: 4q28.1.
Variant type: single nucleotide variant.
Coding change: c.1091C>T on transcript NM_145207.3 (MANE Select); coding-DNA position 1091, C replaced by T.
Protein change: p.Ala364Val; replaces alanine 364 with valine.
Molecular consequence: missense variant.
Genome position (GRCh38, 1-based): chr4:122,934,682, C>T. VCF-style: chr4-122934682-C-T. GRCh37 (hg19) VCF-style: chr4-123855837-C-T.
Other names: c.1088C>T, p.Ala363Val (NM_001317799.2, NM_001345856.2); short protein forms A363V, A364V.
Identifiers: ClinVar variation 950773 (VCV000950773.6), dbSNP rs1560792999, ClinGen allele CA358103229.

ClinVar aggregate classification (germline): Uncertain significance (1 of 4 stars; one submission).

Conditions:
Microcephaly-intellectual disability-sensorineural hearing loss-epilepsy-abnormal muscle tone syndrome (NEDHSB). Also called: NEURODEVELOPMENTAL DISORDER WITH HEARING LOSS, SEIZURES, AND BRAIN ABNORMALITIES. Identifiers: Orphanet 457351, MedGen C4225276, MONDO:0014698, OMIM 616577.

Allele frequency attached by ClinVar (database versions not stated): gnomAD exomes 0.00001.
gnomAD v4.1: 12 of 1,602,892 alleles (0.00075%); highest among the groups gnomAD compares: South Asian, 0.0023%; no homozygotes.

Submission:

Labcorp Genetics (formerly Invitae), Labcorp
Classification: Uncertain significance for Microcephaly-intellectual disability-sensorineural hearing loss-epilepsy-abnormal muscle tone syndrome. Last evaluated: 2019-04-08. Review status: criteria provided, single submitter. Criteria: Invitae Variant Classification Sherloc (09022015). Collection method: clinical testing. Allele origin: germline.
Comment: In summary, the available evidence is currently insufficient to determine the role of this variant in disease. Therefore, it has been classified as a Variant of Uncertain Significance. Algorithms developed to predict the effect of sequence changes on RNA splicing suggest that this variant may create or strengthen a splice site, but this prediction has not been confirmed by published transcriptional studies. Algorithms developed to predict the effect of missense changes on protein structure and function (SIFT, PolyPhen-2, Align-GVGD) all suggest that this variant is likely to be tolerated, but these predictions have not been confirmed by published functional studies and their clinical significance is uncertain. This variant has not been reported in the literature in individuals with SPATA5-related conditions. This variant is not present in population databases (ExAC no frequency). This sequence change replaces alanine with valine at codon 364 of the SPATA5 protein (p.Ala364Val). The alanine residue is moderately conserved and there is a small physicochemical difference between alanine and valine.